The following is an entry in ClinVar:

NM_001458.5(FLNC):c.7371del (p.Glu2458fs)

Genes: FLNC (filamin C; plus strand), FLNC-AS1 (FLNC antisense RNA 1; minus strand). Cytogenetic location: 7q32.1.
Variant type: Deletion.
Coding change: c.7371del on transcript NM_001458.5 (MANE Select); coding-DNA position 7371, one base deleted (T; older notation c.7371delT).
Protein change: p.Glu2458fs; shifts the reading frame from glutamic acid 2458.
Molecular consequence: frameshift variant.
Genome position (GRCh38, 1-based): chr7:128,856,637, T deleted. VCF-style (leftmost placement, unchanged base first): chr7-128856636-CT-C. GRCh37 (hg19) VCF-style: chr7-128496690-CT-C.
Other names: c.7272del, p.Glu2425fs (NM_001127487.2); c.7371delT (NM_001458.4); short protein forms E2458fs, E2425fs.
Identifiers: ClinVar variation 478132 (VCV000478132.15), dbSNP rs1554401780, ClinGen allele CA658657727.

ClinVar aggregate classification (germline): Pathogenic. Review status: criteria provided, multiple submitters, no conflicts (2 of 4 stars). 4 submissions from 4 submitters: Pathogenic (4). Last evaluated 2025-01-21.

Conditions:
Cardiovascular phenotype. Identifiers: MedGen CN230736.
FLNC-related disorder. Also called: FLNC-related condition; FLNC-related disorders.
Hypertrophic cardiomyopathy 26. Also called: Cardiomyopathy, familial hypertrophic, 26. Identifiers: Orphanet 75249, MedGen C4310749, MONDO:0014883, OMIM 617047.
Distal myopathy with posterior leg and anterior hand involvement. Also called: WILLIAMS DISTAL MYOPATHY. Identifiers: Orphanet 63273, MedGen C3279722, MONDO:0013550, OMIM 614065.
Myofibrillar myopathy 5. Also called: Filaminopathy (type); FILAMINOPATHY, AUTOSOMAL DOMINANT. Identifiers: Orphanet 171445, MedGen C1836050, MONDO:0012289, OMIM 609524.

Allele frequency attached by ClinVar (database versions not stated): gnomAD exomes below 0.00001.

Submissions (4):

GeneDx
Classification: Pathogenic. Last evaluated: 2025-01-21. Review status: criteria provided, single submitter. Criteria: GeneDx Variant Classification Process June 2021. Collection method: clinical testing. Allele origin: germline. Affected: yes.
Comment: Has not been previously published as pathogenic or benign in association with an FLNC-related disorder to our knowledge; Not observed at significant frequency in large population cohorts (gnomAD); Frameshift variant predicted to result in protein truncation or nonsense mediated decay in a gene for which loss-of-function is a known mechanism of disease; This variant is associated with the following publications: (PMID: 35699965)

Blueprint Genetics
Classification: Pathogenic for FLNC-related disorders. Last evaluated: 2024-10-26. Review status: criteria provided, single submitter. Criteria: ACMG Guidelines, 2015. Collection method: clinical testing. Allele origin: germline. Affected: yes. Observed: 1 variant allele.

Labcorp Genetics (formerly Invitae), Labcorp
Classification: Pathogenic for Distal myopathy with posterior leg and anterior hand involvement; Myofibrillar myopathy 5; Hypertrophic cardiomyopathy 26. Last evaluated: 2024-03-28. Review status: criteria provided, single submitter. Criteria: Invitae Variant Classification Sherloc (09022015). Collection method: clinical testing. Allele origin: germline.
Comment: This sequence change creates a premature translational stop signal (p.Glu2458Serfs*71) in the FLNC gene. It is expected to result in an absent or disrupted protein product. Loss-of-function variants in FLNC are known to be pathogenic (PMID: 27908349). This variant is not present in population databases (gnomAD no frequency). This variant has not been reported in the literature in individuals affected with FLNC-related conditions. ClinVar contains an entry for this variant (Variation ID: 478132). For these reasons, this variant has been classified as Pathogenic.

Ambry Genetics
Classification: Pathogenic for Cardiovascular phenotype. Last evaluated: 2020-11-19. Review status: criteria provided, single submitter. Criteria: Ambry Variant Classification Scheme 2023. Collection method: clinical testing. Allele origin: germline.
Comment: The c.7371delT pathogenic mutation, located in coding exon 44 of the FLNC gene, results from a deletion of one nucleotide at nucleotide position 7371, causing a translational frameshift with a predicted alternate stop codon (p.E2458Sfs*71). This alteration is expected to result in loss of function by premature protein truncation or nonsense-mediated mRNA decay. As such, this alteration is interpreted as a disease-causing mutation.

Literature cited by the submitters: PubMed 27908349 (cited by Labcorp Genetics (formerly Invitae), Labcorp).